The following is an entry in ClinVar:

ClinVar aggregate classification (germline): Pathogenic (1 of 4 stars; one submission).

Conditions:
Cardiovascular phenotype. Identifiers: MedGen CN230736.

Submission:

Ambry Genetics
Classification: Pathogenic for Cardiovascular phenotype. Last evaluated: 2016-05-12. Review status: criteria provided, single submitter. Criteria: Ambry Variant Classification Scheme 2023. Collection method: clinical testing. Allele origin: germline.
Comment: The p.Q1058* pathogenic mutation (also known as c.3172C>T), located in coding exon 25 of the JAG1 gene, results from a C to T substitution at nucleotide position 3172. This changes the amino acid from a glutamine to a stop codon within coding exon 25. This alteration occurs at amino acid position 1058 of coding exon 25, which is the next-to-last exon of the gene, so while it is truncating, the mRNA may escape nonsense mediated decay (NMD). Premature termination codons located either in the last exon or within 50-55 nucleotides upstream of the 3'-most exon-exon junction usually fail to elicit NMD (Maquat LE et al, Nat. Rev. Mol. Cell Biol. 2004 Feb; 5(2):89-99). However, multiple downstream frameshift variants have been described in patients with Alagille syndrome, such as c.3224_3225delCT (Yuan ZR et al, Hum. Mol. Genet. 1998 Sep; 7(9):1363-9), c.3197dupC (Warthen DM et al, Hum. Mutat. 2006 May; 27(5):436-43) and c.3230dupT (Jurkiewicz D et al, J. Appl. Genet. 2014 Aug; 55(3):329-36), suggesting the potential importance of JAG1 carboxy-terminus. In addition to the clinical data presented in the literature, since premature stop codons are typically deleterious in nature, this alteration is interpreted as a disease-causing mutation (ACMG Recommendations for Standards for Interpretation and Reporting of Sequence Variations. Revision 2007. Genet Med. 2008;10:294).

Literature cited by the submitters: PubMed 15040442; PubMed 16575836; PubMed 24748328; PubMed 9700188.

NM_000214.3(JAG1):c.3172C>T (p.Gln1058Ter)

Gene: JAG1 (jagged canonical Notch ligand 1; minus strand). Cytogenetic location: 20p12.2.
Variant type: single nucleotide variant.
Coding change: c.3172C>T on transcript NM_000214.3 (MANE Select); coding-DNA position 3172, C replaced by T.
Protein change: p.Gln1058Ter; replaces glutamine 1058 with a stop codon.
Molecular consequence: nonsense.
Genome position (GRCh38, 1-based): chr20:10,640,810, G>A on the plus strand (C>T on the coding strand, the complement: JAG1 is on the minus strand). VCF-style: chr20-10640810-G-A. GRCh37 (hg19) VCF-style: chr20-10621458-G-A.
Other names: short protein forms Q1058*.
Identifiers: ClinVar variation 1728450 (VCV001728450.2), dbSNP rs2514507762, ClinGen allele CA408243958.